The following is an entry in ClinVar:

ClinVar aggregate classification (germline): Pathogenic (1 of 4 stars; one submission).

Submission:

Labcorp Genetics (formerly Invitae), Labcorp
Classification: Pathogenic. Last evaluated: 2022-10-15. Review status: criteria provided, single submitter. Criteria: Invitae Variant Classification Sherloc (09022015). Collection method: clinical testing. Allele origin: germline.
Comment: A gross deletion of the genomic region encompassing the full coding sequence of the HBB gene has been identified. Loss-of-function variants in HBB are known to be pathogenic (PMID: 23637309). The boundaries of this event are unknown as they extend beyond the assayed region for this gene and therefore may encompass additional genes. A similar copy number variant has been observed in individual(s) with HBB-related conditions (PMID: 8257991, 19807730, 19958185). For these reasons, this variant has been classified as Pathogenic.

Literature cited by the submitters: PubMed 23637309; PubMed 8257991; PubMed 19807730; PubMed 19958185.

NC_000011.10:g.(?_5225365)_(5227294_?)del

Gene: HBB (hemoglobin subunit beta; minus strand). Cytogenetic location: 11p15.4.
Variant type: Deletion.
Identifiers: ClinVar variation 832425 (VCV000832425.5).